The following is an entry in ClinVar:

ClinVar aggregate classification (germline): Pathogenic (1 of 4 stars; one submission).

Submission:

GeneDx
Classification: Pathogenic. Last evaluated: 2024-04-18. Review status: criteria provided, single submitter. Criteria: GeneDx Variant Classification Process June 2021. Collection method: clinical testing. Allele origin: germline. Affected: yes.
Comment: Not observed at significant frequency in large population cohorts (gnomAD); In silico analysis supports that this missense variant has a deleterious effect on protein structure/function; This variant is associated with the following publications: (PMID: 38487030, 30653986)

NM_005360.5(MAF):c.892A>T (p.Asn298Tyr)

Gene: MAF (MAF bZIP transcription factor; minus strand). Cytogenetic location: 16q23.2.
Variant type: single nucleotide variant.
Coding change: c.892A>T on transcript NM_005360.5 (MANE Select); coding-DNA position 892, A replaced by T.
Protein change: p.Asn298Tyr; replaces asparagine 298 with tyrosine.
Molecular consequence: missense variant.
Genome position (GRCh38, 1-based): chr16:79,599,011, T>A on the plus strand (A>T on the coding strand, the complement: MAF is on the minus strand). VCF-style: chr16-79599011-T-A. GRCh37 (hg19) VCF-style: chr16-79632908-T-A.
Other names: c.892A>T, p.Asn298Tyr (NM_001031804.3); short protein forms N298Y.
Identifiers: ClinVar variation 3364712 (VCV003364712.1).